The following is an entry in ClinVar:

NM_001165963.4(SCN1A):c.488G>A (p.Gly163Glu)

Gene: SCN1A (sodium voltage-gated channel alpha subunit 1; minus strand). Cytogenetic location: 2q24.3.
Variant type: single nucleotide variant.
Coding change: c.488G>A on transcript NM_001165963.4 (MANE Select); coding-DNA position 488, G replaced by A.
Protein change: p.Gly163Glu; replaces glycine 163 with glutamic acid.
Molecular consequence: missense variant. On other transcripts: 5 prime UTR variant (1), non-coding transcript variant (1).
Genome position (GRCh38, 1-based): chr2:166,054,752, C>T on the plus strand (G>A on the coding strand, the complement: SCN1A is on the minus strand). VCF-style: chr2-166054752-C-T. GRCh37 (hg19) VCF-style: chr2-166911262-C-T.
Other names: c.488G>A, p.Gly163Glu (NM_001165964.3, NM_001202435.3, NM_001353948.2 and 10 more transcripts); c.-1938G>A (NM_001353961.2); short protein forms G163E.
Identifiers: ClinVar variation 957016 (VCV000957016.10), dbSNP rs1698959938, ClinGen allele CA349075688.

ClinVar aggregate classification (germline): Pathogenic (1 of 4 stars; one submission).

Conditions:
Early-infantile DEE. Also called: Early infantile epileptic encephalopathy; Ohtahara syndrome; Early infantile epileptic encephalopathy with suppression bursts. Identifiers: Orphanet 1934, MedGen C0393706, MONDO:0800491.

Submission:

Labcorp Genetics (formerly Invitae), Labcorp
Classification: Pathogenic for Early-infantile DEE. Last evaluated: 2023-06-23. Review status: criteria provided, single submitter. Criteria: Invitae Variant Classification Sherloc (09022015). Collection method: clinical testing. Allele origin: germline.
Comment: ClinVar contains an entry for this variant (Variation ID: 957016). This missense change has been observed in individual(s) with Dravet syndrome (PMID: 23103419). In at least one individual the variant was observed to be de novo. This variant is not present in population databases (gnomAD no frequency). This sequence change replaces glycine, which is neutral and non-polar, with glutamic acid, which is acidic and polar, at codon 163 of the SCN1A protein (p.Gly163Glu). Advanced modeling of protein sequence and biophysical properties (such as structural, functional, and spatial information, amino acid conservation, physicochemical variation, residue mobility, and thermodynamic stability) performed at Invitae indicates that this missense variant is expected to disrupt SCN1A protein function. For these reasons, this variant has been classified as Pathogenic.

Literature cited by the submitters: PubMed 23103419.